The following is an entry in ClinVar:

ClinVar aggregate classification (germline): Uncertain significance (1 of 4 stars; one submission).

Submission:

Labcorp Genetics (formerly Invitae), Labcorp
Classification: Uncertain significance. Last evaluated: 2025-09-14. Review status: criteria provided, single submitter. Criteria: Invitae Variant Classification Sherloc (09022015). Collection method: clinical testing. Allele origin: germline.
Comment: This sequence change affects the initiator codon of the MOCS3 mRNA. This change may impact translation initiation or efficiency. The next in-frame methionine is located at codon 119. This variant is present in population databases (rs771185327, gnomAD 0.003%). This variant has not been reported in the literature in individuals affected with MOCS3-related conditions. ClinVar contains an entry for this variant (Variation ID: 1407205). Experimental studies and prediction algorithms are not available or were not evaluated, and the functional significance of this variant is currently unknown. In summary, the available evidence is currently insufficient to determine the role of this variant in disease. Therefore, it has been classified as a Variant of Uncertain Significance.

NM_014484.5(MOCS3):c.1A>G (p.Met1Val)

Gene: MOCS3 (molybdenum cofactor synthesis 3; plus strand). Cytogenetic location: 20q13.13.
Variant type: single nucleotide variant.
Coding change: c.1A>G on transcript NM_014484.5 (MANE Select); coding-DNA position 1, A replaced by G.
Protein change: p.Met1Val; changes the start codon (methionine 1).
Molecular consequence: missense variant, initiator codon variant.
Genome position (GRCh38, 1-based): chr20:50,958,843, A>G. VCF-style: chr20-50958843-A-G. GRCh37 (hg19) VCF-style: chr20-49575380-A-G.
Other names: short protein forms M1V.
Identifiers: ClinVar variation 1407205 (VCV001407205.8), dbSNP rs771185327, ClinGen allele CA9909321.